The following is an entry in ClinVar:

NM_000218.3(KCNQ1):c.284G>C (p.Ser95Thr)

Gene: KCNQ1 (potassium voltage-gated channel subfamily Q member 1; plus strand). Cytogenetic location: 11p15.5.
Variant type: single nucleotide variant.
Coding change: c.284G>C on transcript NM_000218.3 (MANE Select); coding-DNA position 284, G replaced by C.
Protein change: p.Ser95Thr; replaces serine 95 with threonine.
Molecular consequence: missense variant. On other transcripts: 5 prime UTR variant (1).
Genome position (GRCh38, 1-based): chr11:2,445,382, G>C. VCF-style: chr11-2445382-G-C. GRCh37 (hg19) VCF-style: chr11-2466612-G-C.
Other names: c.284G>C, p.Ser95Thr (NM_001406836.1, NM_001406838.1); c.-79G>C (NM_001406837.1); short protein forms S95T.
Identifiers: ClinVar variation 5017712 (VCV005017712.1).

ClinVar aggregate classification (germline): Uncertain significance (1 of 4 stars; one submission).

Submission:

GeneDx
Classification: Uncertain significance. Last evaluated: 2026-03-27. Review status: criteria provided, single submitter. Criteria: GeneDx Variant Classification Process June 2021. Collection method: clinical testing. Allele origin: germline.
Comment: Not observed at significant frequency in large population cohorts (gnomAD); In silico analysis suggests that this missense variant does not alter protein structure/function; Has not been previously published as pathogenic or benign to our knowledge.